The following is an entry in ClinVar:

NM_000059.4(BRCA2):c.6812A>G (p.Lys2271Arg)

Gene: BRCA2 (BRCA2 DNA repair associated; plus strand). Cytogenetic location: 13q13.1.
Variant type: single nucleotide variant.
Coding change: c.6812A>G on transcript NM_000059.4 (MANE Select); coding-DNA position 6812, A replaced by G.
Protein change: p.Lys2271Arg; replaces lysine 2271 with arginine.
Molecular consequence: missense variant.
Genome position (GRCh38, 1-based): chr13:32,341,167, A>G. VCF-style: chr13-32341167-A-G. GRCh37 (hg19) VCF-style: chr13-32915304-A-G.
Other names: short protein forms K2271R.
Identifiers: ClinVar variation 409546 (VCV000409546.10), dbSNP rs577406621, ClinGen allele CA16614200.

ClinVar aggregate classification (germline): Conflicting classifications of pathogenicity. Review status: criteria provided, conflicting classifications (1 of 4 stars). 2 submissions from 2 submitters: Uncertain significance (1); Likely benign (1). Last evaluated 2023-03-23.

Conditions:
Hereditary breast ovarian cancer syndrome. Also called: Hereditary breast and ovarian cancer; Hereditary breast and/or ovarian cancer syndrome; BRCA1- and BRCA2-Associated Hereditary Breast and Ovarian Cancer; Hereditary breast and ovarian cancer syndrome; Hereditary breast and ovarian cancer syndrome (HBOC); Breast and ovarian cancer. Identifiers: Orphanet 145, MedGen C0677776, MeSH D061325, MONDO:0003582. Disease mechanism: loss of function.
Hereditary cancer-predisposing syndrome. Also called: Tumor predisposition; Hereditary Cancer Syndrome; Hereditary neoplastic syndrome; Neoplastic Syndromes, Hereditary. Identifiers: Orphanet 140162, MedGen C0027672, MeSH D009386, MONDO:0015356.

Allele frequency attached by ClinVar (database versions not stated): gnomAD exomes below 0.00001; gnomAD 0.00001; 1000 Genomes Project 30x 0.00016; 1000 Genomes Project 0.00020.
gnomAD v4.1: 1 of 1,613,960 alleles (0.000062%); highest among the groups gnomAD compares: Non-Finnish European, 0.000085%; no homozygotes.

Submissions (2):

University of Washington Department of Laboratory Medicine, University of Washington
Classification: Likely benign for Hereditary cancer-predisposing syndrome. Last evaluated: 2023-03-23. Review status: criteria provided, single submitter. Criteria: Dines et al. (Genet Med. 2020). Collection method: curation. Allele origin: germline.
Comment: Missense variant in a coldspot region where missense variants are very unlikely to be pathogenic (PMID:31911673).

BRCA2 exon 11 coldspot. Reclassification based on statistical prior probability.

Labcorp Genetics (formerly Invitae), Labcorp
Classification: Uncertain significance for Hereditary breast ovarian cancer syndrome. Last evaluated: 2016-06-10. Review status: criteria provided, single submitter. Criteria: Invitae Variant Classification Sherloc (09022015). Collection method: clinical testing. Allele origin: germline.
Comment: In summary, this variant is a novel missense change with uncertain impact on protein function. It has been classified as a Variant of Uncertain Significance. Algorithms developed to predict the effect of missense changes on protein structure and function do not agree on the potential impact of this missense change (SIFT: "Tolerated"; PolyPhen-2: "Probably Damaging"; Align-GVGD: "Class C0"). This variant is not present in population databases (ExAC no frequency) and has not been reported in the literature in individuals with a BRCA2-related disease. This sequence change replaces lysine with arginine at codon 2271 of the BRCA2 protein (p.Lys2271Arg). The lysine residue is highly conserved and there is a small physicochemical difference between lysine and arginine.